The following is an entry in ClinVar:

ClinVar aggregate classification (germline): Likely pathogenic (1 of 4 stars; one submission).

Allele frequency attached by ClinVar (database versions not stated): gnomAD exomes below 0.00001.
gnomAD v4.1: 1 of 1,355,956 alleles (0.000074%); highest among the groups gnomAD compares: Middle Eastern, 0.026%; no homozygotes.

Submission:

Labcorp Genetics (formerly Invitae), Labcorp
Classification: Likely pathogenic. Last evaluated: 2022-02-05. Review status: criteria provided, single submitter. Criteria: Invitae Variant Classification Sherloc (09022015). Collection method: clinical testing. Allele origin: germline.
Comment: In summary, the currently available evidence indicates that the variant is pathogenic, but additional data are needed to prove that conclusively. Therefore, this variant has been classified as Likely Pathogenic. Algorithms developed to predict the effect of sequence changes on RNA splicing suggest that this variant may disrupt the consensus splice site. This variant has not been reported in the literature in individuals affected with CLCN7-related conditions. This variant is not present in population databases (gnomAD no frequency). This sequence change affects a donor splice site in intron 1 of the CLCN7 gene. It is expected to disrupt RNA splicing. Variants that disrupt the donor or acceptor splice site typically lead to a loss of protein function (PMID: 16199547), and loss-of-function variants in CLCN7 are known to be pathogenic (PMID: 14584882, 19953639).

Literature cited by the submitters: PubMed 16199547; PubMed 14584882; PubMed 19953639.

NM_001287.6(CLCN7):c.141+1G>T

Genes: CLCN7 (chloride voltage-gated channel 7; minus strand), LOC130058166 (ATAC-STARR-seq lymphoblastoid silent region 6986; plus strand). Cytogenetic location: 16p13.3.
Variant type: single nucleotide variant.
Coding change: c.141+1G>T on transcript NM_001287.6 (MANE Select); the canonical splice donor site of the intron after coding-DNA position 141, G replaced by T.
Molecular consequence: splice donor variant.
Genome position (GRCh38, 1-based): chr16:1,474,833, C>A on the plus strand (G>T on the coding strand, the complement: CLCN7 is on the minus strand). VCF-style: chr16-1474833-C-A. GRCh37 (hg19) VCF-style: chr16-1524834-C-A.
Other names: c.141+1G>T (NM_001114331.3).
Identifiers: ClinVar variation 1489996 (VCV001489996.8), dbSNP rs1191141117, ClinGen allele CA394193971.
Genomic context (GRCh38, chr16:1,474,833, plus strand): 5'-GGCGCGGGCTGCGGGGCGCACGAGGGCTCAGTTTCCCCGCCTGCGCCCTGCCCGGCCTCA[C>A]CTGGCGCGCAGCCCCAGGCCCAGCCCCGTTCAGCAGCGGCGTCCCCCCGCCGGGCCGCGC-3'